The following is an entry in ClinVar:

ClinVar aggregate classification (germline): Uncertain significance. Review status: criteria provided, multiple submitters, no conflicts (2 of 4 stars). 2 submissions from 2 submitters: Uncertain significance (2). Last evaluated 2025-05-30.

Conditions:
Inborn genetic diseases. Identifiers: MedGen C0950123, MeSH D030342.

Submissions (2):

Ambry Genetics
Classification: Uncertain significance for Inborn genetic diseases. Last evaluated: 2025-05-30. Review status: criteria provided, single submitter. Criteria: Ambry Variant Classification Scheme 2023. Collection method: clinical testing. Allele origin: germline.

Labcorp Genetics (formerly Invitae), Labcorp
Classification: Uncertain significance. Last evaluated: 2024-09-25. Review status: criteria provided, single submitter. Criteria: Invitae Variant Classification Sherloc (09022015). Collection method: clinical testing. Allele origin: germline.
Comment: This sequence change replaces threonine, which is neutral and polar, with alanine, which is neutral and non-polar, at codon 486 of the SLC12A2 protein (p.Thr486Ala). This variant is not present in population databases (gnomAD no frequency). This variant has not been reported in the literature in individuals affected with SLC12A2-related conditions. Invitae Evidence Modeling of protein sequence and biophysical properties (such as structural, functional, and spatial information, amino acid conservation, physicochemical variation, residue mobility, and thermodynamic stability) indicates that this missense variant is not expected to disrupt SLC12A2 protein function with a negative predictive value of 80%. In summary, the available evidence is currently insufficient to determine the role of this variant in disease. Therefore, it has been classified as a Variant of Uncertain Significance.

NM_001046.3(SLC12A2):c.1456A>G (p.Thr486Ala)

Gene: SLC12A2 (solute carrier family 12 member 2; plus strand). Cytogenetic location: 5q23.3.
Variant type: single nucleotide variant.
Coding change: c.1456A>G on transcript NM_001046.3 (MANE Select); coding-DNA position 1456, A replaced by G.
Protein change: p.Thr486Ala; replaces threonine 486 with alanine.
Molecular consequence: missense variant. On other transcripts: non-coding transcript variant (1).
Genome position (GRCh38, 1-based): chr5:128,138,644, A>G. VCF-style: chr5-128138644-A-G. GRCh37 (hg19) VCF-style: chr5-127474336-A-G.
Other names: c.1456A>G (NM_001046.2); c.1456A>G, p.Thr486Ala (NM_001256461.2); short protein forms T486A.
Identifiers: ClinVar variation 3617260 (VCV003617260.3).